The following is an entry in ClinVar:

ClinVar aggregate classification (germline): Uncertain significance (1 of 4 stars; one submission).

Conditions:
Cardiovascular phenotype. Identifiers: MedGen CN230736.

Submission:

Ambry Genetics
Classification: Uncertain significance for Cardiovascular phenotype. Last evaluated: 2022-10-14. Review status: criteria provided, single submitter. Criteria: Ambry Variant Classification Scheme 2023. Collection method: clinical testing. Allele origin: germline.
Comment: The c.-4C>A variant is located in the 5' untranslated region (5&rsquo; UTR) of the KCNQ1 gene. This variant results from a C to A substitution 4 nucleotides upstream from the first translated codon. This nucleotide position is not well conserved in available vertebrate species. Since supporting evidence is limited at this time, the clinical significance of this alteration remains unclear.

NM_000218.3(KCNQ1):c.-4C>A

Gene: KCNQ1 (potassium voltage-gated channel subfamily Q member 1; plus strand). Cytogenetic location: 11p15.5.
Variant type: single nucleotide variant.
Coding change: c.-4C>A on transcript NM_000218.3 (MANE Select); 4 bases upstream of the start codon, C replaced by A.
Molecular consequence: 5 prime UTR variant.
Genome position (GRCh38, 1-based): chr11:2,445,095, C>A. VCF-style: chr11-2445095-C-A. GRCh37 (hg19) VCF-style: chr11-2466325-C-A.
Other names: c.-4C>A (NM_001406836.1, NM_001406838.1); c.-366C>A (NM_001406837.1).
Identifiers: ClinVar variation 1744688 (VCV001744688.2), dbSNP rs1300846684, ClinGen allele CA597432421.